The following is an entry in ClinVar:

ClinVar aggregate classification (germline): Uncertain significance (1 of 4 stars; one submission).

Conditions:
Familial intrahepatic cholestasis. Identifiers: Orphanet 284385, MedGen CN296401, MONDO:0017290.

gnomAD v4.1: 9 of 1,603,038 alleles (0.00056%); highest among the groups gnomAD compares: Non-Finnish European, 0.00077%; no homozygotes.

Submission:

Genomenon, Inc
Classification: Uncertain significance for Familial intrahepatic cholestasis. Last evaluated: 2026-04-14. Review status: criteria provided, single submitter. Criteria: Genomenon Sequence Variant Interpretation Standards - Updated. Collection method: curation. Allele origin: germline. Affected: yes.
Comment: ATP8B1 p.Ala976Val (c.2927C>T) is a missense variant that changes the amino acid at residue 976 from Alanine to Valine. This variant has been observed in at least one proband with features of ATP8B1-deficiency (PMID:33437900). At least one functional study has demonstrated a substantial alteration in protein function relative to the wild-type (PMID:33437900). At least one splicing study demonstrated no effect on splicing (PMID:33437900). It is absent or not present at a significant frequency in gnomAD. In conclusion, we classify ATP8B1 p.Ala976Val (c.2927C>T) as a variant of uncertain significance.

Literature cited by the submitters: PubMed 33437900.

NM_001374385.1(ATP8B1):c.2927C>T (p.Ala976Val)

Genes: ATP8B1 (ATPase phospholipid transporting 8B1; minus strand), ATP8B1-AS1 (ATP8B1 antisense RNA 1; plus strand). Cytogenetic location: 18q21.31.
Variant type: single nucleotide variant.
Coding change: c.2927C>T on transcript NM_001374385.1 (MANE Select); coding-DNA position 2927, C replaced by T.
Protein change: p.Ala976Val; replaces alanine 976 with valine.
Molecular consequence: missense variant.
Genome position (GRCh38, 1-based): chr18:57,655,198, G>A on the plus strand (C>T on the coding strand, the complement: ATP8B1 is on the minus strand). VCF-style: chr18-57655198-G-A. GRCh37 (hg19) VCF-style: chr18-55322430-G-A.
Other names: c.2777C>T, p.Ala926Val (NM_001374386.1); c.2927C>T, p.Ala976Val (NM_005603.6); short protein forms A926V, A976V.
Identifiers: ClinVar variation 4846625 (VCV004846625.1).